The following is an entry in ClinVar:

NM_000059.4(BRCA2):c.3346_3347delinsT (p.Thr1116fs)

Gene: BRCA2 (BRCA2 DNA repair associated; plus strand). Cytogenetic location: 13q13.1.
Variant type: Indel.
Coding change: c.3346_3347delinsT on transcript NM_000059.4 (MANE Select); coding-DNA positions 3346 to 3347, AC replaced by T.
Protein change: p.Thr1116fs; shifts the reading frame from threonine 1116.
Molecular consequence: frameshift variant.
Genome position (GRCh38, 1-based): chr13:32,337,701-32,337,702, AC replaced by T. VCF-style: chr13-32337701-AC-T. GRCh37 (hg19) VCF-style: chr13-32911838-AC-T.
Other names: c.3346_3347delACinsT, p.Thr1116Leufs (NM_001406719.1, NM_001406720.1); short protein forms T1116fs.
Identifiers: ClinVar variation 2431296 (VCV002431296.1), dbSNP rs2548525730, ClinGen allele CA2580087067.

ClinVar aggregate classification (germline): Pathogenic (1 of 4 stars; one submission).

Conditions:
Breast-ovarian cancer, familial, susceptibility to, 2 (BROVCA2). Also called: BRCA2 Hereditary Breast and Ovarian Cancer. Identifiers: Orphanet 145, MedGen C2675520, MONDO:0012933, OMIM 612555. Disease mechanism: loss of function.

Submission:

Myriad Genetics, Inc.
Classification: Pathogenic for Breast-ovarian cancer, familial, susceptibility to, 2. Last evaluated: 2023-01-17. Review status: criteria provided, single submitter. Criteria: Myriad Autosomal Dominant, Autosomal Recessive and X-Linked Classification Criteria (2023). Collection method: clinical testing. Allele origin: unknown.
Comment: This variant is considered pathogenic. This variant creates a frameshift predicted to result in premature protein truncation.